The following is an entry in ClinVar:

NM_020686.6(ABAT):c.1418G>A (p.Arg473His)

Gene: ABAT (4-aminobutyrate aminotransferase; plus strand). Cytogenetic location: 16p13.2.
Variant type: single nucleotide variant.
Coding change: c.1418G>A on transcript NM_020686.6 (MANE Select); coding-DNA position 1418, G replaced by A.
Protein change: p.Arg473His; replaces arginine 473 with histidine.
Molecular consequence: missense variant.
Genome position (GRCh38, 1-based): chr16:8,781,345, G>A. VCF-style: chr16-8781345-G-A. GRCh37 (hg19) VCF-style: chr16-8875202-G-A.
Other names: c.1418G>A, p.Arg473His (NM_000663.5, NM_001127448.2, NM_001386600.1 and 4 more transcripts); c.1379G>A, p.Arg460His (NM_001386605.1); c.1355G>A, p.Arg452His (NM_001386606.1, NM_001386607.1); c.1325G>A, p.Arg442His (NM_001386608.1); c.1306G>A, p.Val436Ile (NM_001386609.1); c.1283G>A, p.Arg428His (NM_001386610.1, NM_001386611.1); c.1220G>A, p.Arg407His (NM_001386612.1, NM_001386613.1); c.1172G>A, p.Arg391His (NM_001386614.1); and 2 more; short protein forms R460H, R407H, R452H, R473H, V436I, V493I, R391H, R442H.
Identifiers: ClinVar variation 4768395 (VCV004768395.1).

ClinVar aggregate classification (germline): Uncertain significance (1 of 4 stars; one submission).

Conditions:
Gamma-aminobutyric acid transaminase deficiency (GABATD). Also called: GABA transaminase deficiency; Gamma aminobutyrate transaminase deficiency; 4 alpha aminobutyrate transaminase deficiency; GABA aminotransaminase deficiency. Identifiers: Orphanet 2066, MedGen C0342708, MONDO:0013166, OMIM 613163.

gnomAD v4.1: 6 of 1,614,102 alleles (0.00037%); highest among the groups gnomAD compares: Non-Finnish European, 0.00042%; no homozygotes.

Submission:

Labcorp Genetics (formerly Invitae), Labcorp
Classification: Uncertain significance for Gamma-aminobutyric acid transaminase deficiency. Last evaluated: 2025-06-02. Review status: criteria provided, single submitter. Criteria: Invitae Variant Classification Sherloc (09022015). Collection method: clinical testing. Allele origin: germline.
Comment: This sequence change replaces arginine, which is basic and polar, with histidine, which is basic and polar, at codon 473 of the ABAT protein (p.Arg473His). This variant is not present in population databases (gnomAD no frequency). This variant has not been reported in the literature in individuals affected with ABAT-related conditions. Invitae Evidence Modeling of protein sequence and biophysical properties (such as structural, functional, and spatial information, amino acid conservation, physicochemical variation, residue mobility, and thermodynamic stability) indicates that this missense variant is expected to disrupt ABAT protein function with a positive predictive value of 80%. In summary, the available evidence is currently insufficient to determine the role of this variant in disease. Therefore, it has been classified as a Variant of Uncertain Significance.